The following is an entry in ClinVar:

NM_001101362.3(KBTBD13):c.65G>T (p.Arg22Leu)

Gene: KBTBD13 (kelch repeat and BTB domain containing 13; plus strand). Cytogenetic location: 15q22.31.
Variant type: single nucleotide variant.
Coding change: c.65G>T on transcript NM_001101362.3 (MANE Select); coding-DNA position 65, G replaced by T.
Protein change: p.Arg22Leu; replaces arginine 22 with leucine.
Molecular consequence: missense variant.
Genome position (GRCh38, 1-based): chr15:65,076,880, G>T. VCF-style: chr15-65076880-G-T. GRCh37 (hg19) VCF-style: chr15-65369218-G-T.
Other names: short protein forms R22L.
Identifiers: ClinVar variation 1715390 (VCV001715390.5), dbSNP rs759710350, ClinGen allele CA392855997.
Genomic context (GRCh38, chr15:65,076,880, plus strand): 5'-CACGGGGTCCACAGACCCTGGTGCAGGTGTGGGTGGGCGGCCAGCTCTTCCAAGCCGACC[G>T]CGCCCTGCTGGTGGAGCACTGTGGCTTCTTCCGAGGCCTCTTCCGCTCCGGCATGCGGGA-3'
Protein context (NP_001094832.1, residues 12-32): WVGGQLFQAD[Arg22Leu]ALLVEHCGFF

ClinVar aggregate classification (germline): Uncertain significance (1 of 4 stars; one submission).

Conditions:
Nemaline myopathy 6 (NEM6). Also called: Nemaline myopathy 6, autosomal dominant. Identifiers: Orphanet 171439, MedGen C1836472, MONDO:0012237, OMIM 609273.

Submission:

Labcorp Genetics (formerly Invitae), Labcorp
Classification: Uncertain significance for Nemaline myopathy 6. Last evaluated: 2022-08-06. Review status: criteria provided, single submitter. Criteria: Invitae Variant Classification Sherloc (09022015). Collection method: clinical testing. Allele origin: germline.
Comment: In summary, the available evidence is currently insufficient to determine the role of this variant in disease. Therefore, it has been classified as a Variant of Uncertain Significance. Algorithms developed to predict the effect of missense changes on protein structure and function are either unavailable or do not agree on the potential impact of this missense change (SIFT: "Deleterious"; PolyPhen-2: "Benign"; Align-GVGD: "Class C0"). This variant has not been reported in the literature in individuals affected with KBTBD13-related conditions. This variant is not present in population databases (gnomAD no frequency). This sequence change replaces arginine, which is basic and polar, with leucine, which is neutral and non-polar, at codon 22 of the KBTBD13 protein (p.Arg22Leu).